The following is an entry in ClinVar:

NM_031272.5(TEX14):c.1185-5C>T

Gene: TEX14 (testis expressed 14, intercellular bridge forming factor; minus strand). Cytogenetic location: 17q22.
Variant type: single nucleotide variant.
Coding change: c.1185-5C>T on transcript NM_031272.5 (MANE Select); 5 bases into the intron before coding-DNA position 1185, C replaced by T.
Molecular consequence: intron variant.
Genome position (GRCh38, 1-based): chr17:58,605,134, G>A on the plus strand (C>T on the coding strand, the complement: TEX14 is on the minus strand). VCF-style: chr17-58605134-G-A. GRCh37 (hg19) VCF-style: chr17-56682495-G-A.
Other names: c.1185-5C>T (NM_198393.4); c.1203-5C>T (NM_001201457.2).
Identifiers: ClinVar variation 3051860 (VCV003051860.2), dbSNP rs374105757, ClinGen allele CA8676458.
Genomic context (GRCh38, chr17:58,605,134, plus strand): 5'-ATAGCTGCGTAGGAAGGGGCACTCGAGTCAGGTCCCTCTGTACACCTCTGTCCTCGCTAC[G>A]GAAGGAAACTCACAAGTCAGCGCTCATGCCTTAAAGGGTCTTTTATTCATTCATTCATTC-3'

ClinVar aggregate classification (germline): Likely benign (0 of 4 stars; one submission).

Conditions:
TEX14-related disorder. Also called: TEX14-related condition.

Allele frequency attached by ClinVar (database versions not stated): ExAC 0.00006; gnomAD exomes 0.00008; gnomAD 0.00009; TOPMed 0.00009; ESP Exome Variant Server 0.00015.

Submission:

PreventionGenetics, part of Exact Sciences
Classification: Likely benign for TEX14-related condition. Last evaluated: 2019-03-22. Review status: no assertion criteria provided. Collection method: clinical testing. Allele origin: germline.
Comment: This variant is classified as likely benign based on ACMG/AMP sequence variant interpretation guidelines (Richards et al. 2015 PMID: 25741868, with internal and published modifications).